The following is an entry in ClinVar:

NM_005219.5(DIAPH1):c.206G>C (p.Arg69Thr)

Gene: DIAPH1 (diaphanous related formin 1; minus strand). Cytogenetic location: 5q31.3.
Variant type: single nucleotide variant.
Coding change: c.206G>C on transcript NM_005219.5 (MANE Select); coding-DNA position 206, G replaced by C.
Protein change: p.Arg69Thr; replaces arginine 69 with threonine.
Molecular consequence: missense variant.
Genome position (GRCh38, 1-based): chr5:141,587,136, C>G on the plus strand (G>C on the coding strand, the complement: DIAPH1 is on the minus strand). VCF-style: chr5-141587136-C-G. GRCh37 (hg19) VCF-style: chr5-140966703-C-G.
Other names: c.179G>C, p.Arg60Thr (NM_001079812.3); c.206G>C, p.Arg69Thr (NM_001314007.2); short protein forms R69T, R60T.
Identifiers: ClinVar variation 1395350 (VCV001395350.6), dbSNP rs1356506474, ClinGen allele CA361546570.

ClinVar aggregate classification (germline): Uncertain significance (1 of 4 stars; one submission).

Conditions:
Progressive microcephaly-seizures-cortical blindness-developmental delay syndrome. Also called: Seizures, cortical blindness, and microcephaly syndrome. Identifiers: Orphanet 477814, MedGen C5567650, MONDO:0014714, OMIM 616632.
Autosomal dominant nonsyndromic hearing loss 1. Also called: DEAFNESS, AUTOSOMAL DOMINANT 1, WITH OR WITHOUT THROMBOCYTOPENIA; KONIGSMARK SYNDROME. Identifiers: Orphanet 90635, MedGen C1852282, MONDO:0007424, OMIM 124900.

Allele frequency attached by ClinVar (database versions not stated): gnomAD exomes below 0.00001; TOPMed 0.00001.
gnomAD v4.1: 1 of 1,614,134 alleles (0.000062%); highest among the groups gnomAD compares: Non-Finnish European, 0.000085%; no homozygotes.

Submission:

Labcorp Genetics (formerly Invitae), Labcorp
Classification: Uncertain significance for Progressive microcephaly-seizures-cortical blindness-developmental delay syndrome; Autosomal dominant nonsyndromic hearing loss 1. Last evaluated: 2022-07-26. Review status: criteria provided, single submitter. Criteria: Invitae Variant Classification Sherloc (09022015). Collection method: clinical testing. Allele origin: germline.
Comment: Algorithms developed to predict the effect of missense changes on protein structure and function are either unavailable or do not agree on the potential impact of this missense change (SIFT: "Tolerated"; PolyPhen-2: "Not Available"; Align-GVGD: "Class C0"). In summary, the available evidence is currently insufficient to determine the role of this variant in disease. Therefore, it has been classified as a Variant of Uncertain Significance. ClinVar contains an entry for this variant (Variation ID: 1395350). This variant has not been reported in the literature in individuals affected with DIAPH1-related conditions. This variant is not present in population databases (gnomAD no frequency). This sequence change replaces arginine, which is basic and polar, with threonine, which is neutral and polar, at codon 69 of the DIAPH1 protein (p.Arg69Thr).